The following is an entry in ClinVar:

NM_182914.3(SYNE2):c.11935C>G (p.Leu3979Val)

Gene: SYNE2 (spectrin repeat containing nuclear envelope protein 2; plus strand). Cytogenetic location: 14q23.2.
Variant type: single nucleotide variant.
Coding change: c.11935C>G on transcript NM_182914.3 (MANE Select); coding-DNA position 11935, C replaced by G.
Protein change: p.Leu3979Val; replaces leucine 3979 with valine.
Molecular consequence: missense variant.
Genome position (GRCh38, 1-based): chr14:64,091,007, C>G. VCF-style: chr14-64091007-C-G. GRCh37 (hg19) VCF-style: chr14-64557725-C-G.
Other names: c.11935C>G, p.Leu3979Val (NM_015180.6); short protein forms L3979V.
Identifiers: ClinVar variation 130460 (VCV000130460.22), dbSNP rs76576553, ClinGen allele CA155510.

ClinVar aggregate classification (germline): Benign. Review status: criteria provided, multiple submitters, no conflicts (2 of 4 stars). 6 submissions from 6 submitters: Benign (5). 1 of the submissions does not count toward it. Last evaluated 2026-01-21.

Conditions:
SYNE2-related disorder. Also called: SYNE2-related condition.
Emery-Dreifuss muscular dystrophy 5, autosomal dominant (EDMD5). Also called: EMERY-DREIFUSS MUSCULAR DYSTROPHY 5. Identifiers: Orphanet 261, MedGen C2751805, MONDO:0013072, OMIM 612999.

Allele frequency attached by ClinVar (database versions not stated): ESP Exome Variant Server 0.00069; gnomAD 0.00220 and 0.00274; TOPMed 0.00342; 1000 Genomes Project 30x 0.01608; 1000 Genomes Project 0.01637.
gnomAD v4.1: 2,666 of 1,614,044 alleles (0.17%); highest among the groups gnomAD compares: East Asian, 4.8%; 74 homozygotes.

Submissions (6):

Labcorp Genetics (formerly Invitae), Labcorp
Classification: Benign for Emery-Dreifuss muscular dystrophy 5, autosomal dominant. Last evaluated: 2026-01-21. Review status: criteria provided, single submitter. Criteria: Invitae Variant Classification Sherloc (09022015). Collection method: clinical testing. Allele origin: germline.

PreventionGenetics, part of Exact Sciences
Classification: Benign for SYNE2-related condition. Last evaluated: 2025-04-23. Review status: criteria provided, single submitter. Criteria: ACMG Guidelines, 2015. Collection method: clinical testing. Allele origin: germline.
Comment: This variant is classified as benign based on ACMG/AMP sequence variant interpretation guidelines (Richards et al. 2015 PMID: 25741868, with internal and published modifications).

GeneDx
Classification: Benign. Last evaluated: 2019-10-05. Review status: criteria provided, single submitter. Criteria: GeneDx Variant Classification Process June 2021. Collection method: clinical testing. Allele origin: germline. Affected: yes.

Illumina Laboratory Services, Illumina
Classification: Benign for Emery-Dreifuss muscular dystrophy 5, autosomal dominant. Last evaluated: 2018-01-13. Review status: criteria provided, single submitter. Criteria: ICSL Variant Classification Criteria 13 December 2019. Collection method: clinical testing. Allele origin: germline.
Comment: This variant was observed in the ICSL laboratory as part of a predisposition screen in an ostensibly healthy population. It had not been previously curated by ICSL or reported in the Human Gene Mutation Database (HGMD: prior to June 1st, 2018), and was therefore a candidate for classification through an automated scoring system. Utilizing variant allele frequency, disease prevalence and penetrance estimates, and inheritance mode, an automated score was calculated to assess if this variant is too frequent to cause the disease. Based on the score and internal cut-off values, a variant classified as benign is not then subjected to further curation. The score for this variant resulted in a classification of benign for this disease.

Breakthrough Genomics
Classification: Benign. Review status: criteria provided, single submitter. Criteria: ACMG Guidelines, 2015. Collection method: not provided. Allele origin: germline. Inheritance: Autosomal dominant inheritance. Affected: yes.

Genetic Services Laboratory, University of Chicago
Classification: Likely benign for AllHighlyPenetrant. Review status: no assertion criteria provided. Collection method: clinical testing. Allele origin: germline. Inheritance: Autosomal dominant inheritance. Not counted in ClinVar's aggregate classification.
Comment: Likely benign based on allele frequency in 1000 Genomes Project or ESP global frequency and its presence in a patient with a rare or unrelated disease phenotype. NOT Sanger confirmed.